The following is an entry in ClinVar:

NM_014921.5(ADGRL1):c.1432C>T (p.Arg478Ter)

Genes: ADGRL1 (adhesion G protein-coupled receptor L1; minus strand), ADGRL1-AS1 (ADGRL1 antisense RNA 1; plus strand). Cytogenetic location: 19p13.12.
Variant type: single nucleotide variant.
Coding change: c.1432C>T on transcript NM_014921.5 (MANE Select); coding-DNA position 1432, C replaced by T.
Protein change: p.Arg478Ter; replaces arginine 478 with a stop codon.
Molecular consequence: nonsense.
Genome position (GRCh38, 1-based): chr19:14,161,390, G>A on the plus strand (C>T on the coding strand, the complement: ADGRL1 is on the minus strand). VCF-style: chr19-14161390-G-A. GRCh37 (hg19) VCF-style: chr19-14272202-G-A.
Other names: c.1447C>T, p.Arg483Ter (NM_001008701.3); short protein forms R478*, R483*.
Identifiers: ClinVar variation 2582968 (VCV002582968.25), dbSNP rs1437118731, ClinGen allele CA404409871.

ClinVar aggregate classification (germline): Likely pathogenic (1 of 4 stars; one submission).

Submission:

CeGaT Center for Human Genetics Tuebingen
Classification: Likely pathogenic. Last evaluated: 2023-09-01. Review status: criteria provided, single submitter. Criteria: CeGaT Center For Human Genetics Tuebingen Variant Classification Criteria Version 2. Collection method: clinical testing. Allele origin: germline. Affected: yes. Observed: 2 variant alleles.
Comment: ADGRL1: PVS1, PM2, BS4